The following is an entry in ClinVar:

ClinVar aggregate classification (germline): Uncertain significance (1 of 4 stars; one submission).

Conditions:
Combined oxidative phosphorylation defect type 27. Also called: Combined oxidative phosphorylation deficiency 27. Identifiers: Orphanet 477774, MedGen C5567608, MONDO:0014728, OMIM 616672.

Allele frequency attached by ClinVar (database versions not stated): gnomAD 0.00001; gnomAD exomes below 0.00001; TOPMed below 0.00001.
gnomAD v4.1: 2 of 1,613,390 alleles (0.00012%); highest among the groups gnomAD compares: African/African-American, 0.0013%; no homozygotes.

Submission:

Labcorp Genetics (formerly Invitae), Labcorp
Classification: Uncertain significance for Combined oxidative phosphorylation defect type 27. Last evaluated: 2023-08-17. Review status: criteria provided, single submitter. Criteria: Invitae Variant Classification Sherloc (09022015). Collection method: clinical testing. Allele origin: germline.
Comment: In summary, the available evidence is currently insufficient to determine the role of this variant in disease. Therefore, it has been classified as a Variant of Uncertain Significance. Advanced modeling of protein sequence and biophysical properties (such as structural, functional, and spatial information, amino acid conservation, physicochemical variation, residue mobility, and thermodynamic stability) performed at Invitae indicates that this missense variant is not expected to disrupt CARS2 protein function. ClinVar contains an entry for this variant (Variation ID: 1473036). This variant has not been reported in the literature in individuals affected with CARS2-related conditions. This variant is not present in population databases (gnomAD no frequency). This sequence change replaces isoleucine, which is neutral and non-polar, with valine, which is neutral and non-polar, at codon 326 of the CARS2 protein (p.Ile326Val).

NM_024537.4(CARS2):c.976A>G (p.Ile326Val)

Gene: CARS2 (cysteinyl-tRNA synthetase 2, mitochondrial; minus strand). Cytogenetic location: 13q34.
Variant type: single nucleotide variant.
Coding change: c.976A>G on transcript NM_024537.4 (MANE Select); coding-DNA position 976, A replaced by G.
Protein change: p.Ile326Val; replaces isoleucine 326 with valine.
Molecular consequence: missense variant. On other transcripts: 3 prime UTR variant (1), non-coding transcript variant (2).
Genome position (GRCh38, 1-based): chr13:110,663,462, T>C on the plus strand (A>G on the coding strand, the complement: CARS2 is on the minus strand). VCF-style: chr13-110663462-T-C. GRCh37 (hg19) VCF-style: chr13-111315809-T-C.
Other names: c.190A>G, p.Ile64Val (NM_001352252.2); c.*448A>G (NM_001352253.3); short protein forms I326V, I64V.
Identifiers: ClinVar variation 1473036 (VCV001473036.8), dbSNP rs2062564847, ClinGen allele CA388748088.